The following is an entry in ClinVar:

NM_020247.5(COQ8A):c.998A>G (p.Glu333Gly)

Gene: COQ8A (coenzyme Q8A; plus strand). Cytogenetic location: 1q42.13.
Variant type: single nucleotide variant.
Coding change: c.998A>G on transcript NM_020247.5 (MANE Select); coding-DNA position 998, A replaced by G.
Protein change: p.Glu333Gly; replaces glutamic acid 333 with glycine.
Molecular consequence: missense variant.
Genome position (GRCh38, 1-based): chr1:226,982,952, A>G. VCF-style: chr1-226982952-A-G. GRCh37 (hg19) VCF-style: chr1-227170653-A-G.
Other names: short protein forms E333G.
Identifiers: ClinVar variation 2102122 (VCV002102122.4), dbSNP rs2528369040, ClinGen allele CA345052877.

ClinVar aggregate classification (germline): Uncertain significance (1 of 4 stars; one submission).

Submission:

Labcorp Genetics (formerly Invitae), Labcorp
Classification: Uncertain significance. Last evaluated: 2024-12-05. Review status: criteria provided, single submitter. Criteria: Invitae Variant Classification Sherloc (09022015). Collection method: clinical testing. Allele origin: germline.
Comment: This sequence change replaces glutamic acid, which is acidic and polar, with glycine, which is neutral and non-polar, at codon 333 of the COQ8A protein (p.Glu333Gly). This variant is not present in population databases (gnomAD no frequency). This variant has not been reported in the literature in individuals affected with COQ8A-related conditions. ClinVar contains an entry for this variant (Variation ID: 2102122). Invitae Evidence Modeling of protein sequence and biophysical properties (such as structural, functional, and spatial information, amino acid conservation, physicochemical variation, residue mobility, and thermodynamic stability) has been performed for this missense variant. However, the output from this modeling did not meet the statistical confidence thresholds required to predict the impact of this variant on COQ8A protein function. In summary, the available evidence is currently insufficient to determine the role of this variant in disease. Therefore, it has been classified as a Variant of Uncertain Significance.